The following is an entry in ClinVar:

NM_000147.5(FUCA1):c.1360G>A (p.Ala454Thr)

Gene: FUCA1 (alpha-L-fucosidase 1; minus strand). Cytogenetic location: 1p36.11.
Variant type: single nucleotide variant.
Coding change: c.1360G>A on transcript NM_000147.5 (MANE Select); coding-DNA position 1360, G replaced by A.
Protein change: p.Ala454Thr; replaces alanine 454 with threonine.
Molecular consequence: missense variant.
Genome position (GRCh38, 1-based): chr1:23,845,756, C>T on the plus strand (G>A on the coding strand, the complement: FUCA1 is on the minus strand). VCF-style: chr1-23845756-C-T. GRCh37 (hg19) VCF-style: chr1-24172246-C-T.
Other names: short protein forms A454T.
Identifiers: ClinVar variation 1495120 (VCV001495120.3), dbSNP rs377360830, ClinGen allele CA686271.
Genomic context (GRCh38, chr1:23,845,756, plus strand): 5'-TCTTCTTGCACTCAAATGATTACTTCACTCCTGTCAGCTTTATAGTCCAAGCAAACTCTG[C>T]GGGGACAGCAGAGGGTGGCAACTGGGGTAGAGAGATGAAGAGACCTTTATCTGGATCTGT-3'
Protein context (NP_000138.2, residues 444-464): LPQLPPSAVP[Ala454Thr]EFAWTIKLTG

ClinVar aggregate classification (germline): Uncertain significance (1 of 4 stars; one submission).

Conditions:
Fucosidosis. Also called: ALPHA-L-FUCOSIDASE DEFICIENCY. Identifiers: Orphanet 349, MedGen C0016788, MONDO:0009254, OMIM 230000.

Allele frequency attached by ClinVar (database versions not stated): gnomAD exomes 0.00002 and 0.00003; gnomAD 0.00003 and 0.00004; TOPMed 0.00003; ExAC 0.00004.
gnomAD v4.1: 37 of 1,614,006 alleles (0.0023%); highest among the groups gnomAD compares: Middle Eastern, 0.016%; no homozygotes.

Submission:

Labcorp Genetics (formerly Invitae), Labcorp
Classification: Uncertain significance for Fucosidosis. Last evaluated: 2022-08-06. Review status: criteria provided, single submitter. Criteria: Invitae Variant Classification Sherloc (09022015). Collection method: clinical testing. Allele origin: germline.
Comment: This sequence change replaces alanine, which is neutral and non-polar, with threonine, which is neutral and polar, at codon 454 of the FUCA1 protein (p.Ala454Thr). This variant is present in population databases (rs377360830, gnomAD 0.01%). This variant has not been reported in the literature in individuals affected with FUCA1-related conditions. ClinVar contains an entry for this variant (Variation ID: 1495120). Algorithms developed to predict the effect of missense changes on protein structure and function output the following: SIFT: "Tolerated"; PolyPhen-2: "Benign"; Align-GVGD: "Class C0". The threonine amino acid residue is found in multiple mammalian species, which suggests that this missense change does not adversely affect protein function. In summary, the available evidence is currently insufficient to determine the role of this variant in disease. Therefore, it has been classified as a Variant of Uncertain Significance.